The following is an entry in ClinVar:

NM_006031.6(PCNT):c.5384C>T (p.Ala1795Val)

Gene: PCNT (pericentrin; plus strand). Cytogenetic location: 21q22.3.
Variant type: single nucleotide variant.
Coding change: c.5384C>T on transcript NM_006031.6 (MANE Select); coding-DNA position 5384, C replaced by T.
Protein change: p.Ala1795Val; replaces alanine 1795 with valine.
Molecular consequence: missense variant.
Genome position (GRCh38, 1-based): chr21:46,411,457, C>T. VCF-style: chr21-46411457-C-T. GRCh37 (hg19) VCF-style: chr21-47831371-C-T.
Other names: c.5384C>T (NM_006031.5); c.5030C>T, p.Ala1677Val (NM_001315529.2); short protein forms A1677V, A1795V.
Identifiers: ClinVar variation 3623671 (VCV003623671.3).

ClinVar aggregate classification (germline): Uncertain significance. Review status: criteria provided, multiple submitters, no conflicts (2 of 4 stars). 2 submissions from 2 submitters: Uncertain significance (2). Last evaluated 2025-12-01.

Conditions:
PCNT-related disorder. Also called: PCNT-related condition.

gnomAD v4.1: 8 of 1,610,488 alleles (0.0005%); highest among the groups gnomAD compares: Admixed American, 0.0017%; no homozygotes.

Submissions (2):

PreventionGenetics, part of Exact Sciences
Classification: Uncertain significance for PCNT-related condition. Last evaluated: 2025-12-01. Review status: criteria provided, single submitter. Criteria: ACMG Guidelines, 2015. Collection method: clinical testing. Allele origin: germline.
Comment: The PCNT c.5384C>T variant is predicted to result in the amino acid substitution p.Ala1795Val. To our knowledge, this variant has not been reported in the literature. This variant is reported in 0.0029% of alleles in individuals of Latino descent in gnomAD. At this time, the clinical significance of this variant is uncertain due to the absence of conclusive functional and genetic evidence.

Labcorp Genetics (formerly Invitae), Labcorp
Classification: Uncertain significance. Last evaluated: 2024-10-15. Review status: criteria provided, single submitter. Criteria: Invitae Variant Classification Sherloc (09022015). Collection method: clinical testing. Allele origin: germline.
Comment: This sequence change replaces alanine, which is neutral and non-polar, with valine, which is neutral and non-polar, at codon 1795 of the PCNT protein (p.Ala1795Val). This variant is present in population databases (rs768868319, gnomAD 0.003%). This variant has not been reported in the literature in individuals affected with PCNT-related conditions. An algorithm developed to predict the effect of missense changes on protein structure and function outputs the following: PolyPhen-2: "Benign". The valine amino acid residue is found in multiple mammalian species, which suggests that this missense change does not adversely affect protein function. In summary, the available evidence is currently insufficient to determine the role of this variant in disease. Therefore, it has been classified as a Variant of Uncertain Significance.